The following is an entry in ClinVar:

NM_173660.5(DOK7):c.904G>C (p.Ala302Pro)

Gene: DOK7 (docking protein 7; plus strand). Cytogenetic location: 4p16.3.
Variant type: single nucleotide variant.
Coding change: c.904G>C on transcript NM_173660.5 (MANE Select); coding-DNA position 904, G replaced by C.
Protein change: p.Ala302Pro; replaces alanine 302 with proline.
Molecular consequence: missense variant. On other transcripts: 3 prime UTR variant (1), 5 prime UTR variant (1).
Genome position (GRCh38, 1-based): chr4:3,492,890, G>C. VCF-style: chr4-3492890-G-C. GRCh37 (hg19) VCF-style: chr4-3494617-G-C.
Other names: c.*125G>C (NM_001164673.2); c.-27G>C (NM_001256896.2); c.904G>C, p.Ala302Pro (NM_001301071.2); c.472G>C, p.Ala158Pro (NM_001363811.2); short protein forms A302P, A158P.
Identifiers: ClinVar variation 534133 (VCV000534133.19), dbSNP rs79063654, ClinGen allele CA2829279.

ClinVar aggregate classification (germline): Conflicting classifications of pathogenicity. Review status: criteria provided, conflicting classifications (1 of 4 stars). 5 submissions from 5 submitters: Uncertain significance (1); Benign (1); Likely benign (2). 1 of the submissions does not count toward it. Last evaluated 2026-01-31.

Conditions:
Inborn genetic diseases. Identifiers: MedGen C0950123, MeSH D030342.
DOK7-related disorder. Also called: DOK7-related condition.
Fetal akinesia deformation sequence 1 (FADS1). Also called: Fetal akinesia sequence; Pena-Shokeir syndrome type I. Identifiers: Orphanet 994, MedGen C1276035, MONDO:0100101, OMIM 208150, HP:0001989.
Congenital myasthenic syndrome 10. Also called: Myasthenia, limb-girdle, familial. Identifiers: Orphanet 590, MedGen C1850792, MONDO:0009690, OMIM 254300.

Allele frequency attached by ClinVar (database versions not stated): ExAC 0.00089; 1000 Genomes Project 0.00220; gnomAD 0.00223 and 0.00237; TOPMed 0.00259; 1000 Genomes Project 30x 0.00265; ESP Exome Variant Server 0.00286.

Submissions (5):

Labcorp Genetics (formerly Invitae), Labcorp
Classification: Benign for Congenital myasthenic syndrome 10; Fetal akinesia deformation sequence 1. Last evaluated: 2026-01-31. Review status: criteria provided, single submitter. Criteria: Invitae Variant Classification Sherloc (09022015). Collection method: clinical testing. Allele origin: germline.

Ambry Genetics
Classification: Uncertain significance for Inborn genetic diseases. Last evaluated: 2025-02-03. Review status: criteria provided, single submitter. Criteria: Ambry Variant Classification Scheme 2023. Collection method: clinical testing. Allele origin: germline.

GeneDx
Classification: Likely benign. Last evaluated: 2020-09-24. Review status: criteria provided, single submitter. Criteria: GeneDx Variant Classification Process June 2021. Collection method: clinical testing. Allele origin: germline. Affected: yes.

Breakthrough Genomics
Classification: Likely benign. Review status: criteria provided, single submitter. Criteria: ACMG Guidelines, 2015. Collection method: not provided. Allele origin: germline. Inheritance: Autosomal recessive inheritance. Affected: yes.

PreventionGenetics, part of Exact Sciences
Classification: Benign for DOK7-related condition. Last evaluated: 2019-09-17. Review status: no assertion criteria provided. Collection method: clinical testing. Allele origin: germline. Not counted in ClinVar's aggregate classification.
Comment: This variant is classified as benign based on ACMG/AMP sequence variant interpretation guidelines (Richards et al. 2015 PMID: 25741868, with internal and published modifications).